The following is an entry in ClinVar:

ClinVar aggregate classification (germline): Pathogenic (1 of 4 stars; one submission).

Conditions:
Familial adenomatous polyposis 1 (FAP1). Also called: FAMILIAL ADENOMATOUS POLYPOSIS 1, ATTENUATED; POLYPOSIS, ADENOMATOUS INTESTINAL. Identifiers: MedGen C2713442, MONDO:0021056, OMIM 175100. Disease mechanism: loss of function.

Submission:

Myriad Genetics, Inc.
Classification: Pathogenic for Familial adenomatous polyposis 1. Last evaluated: 2023-05-11. Review status: criteria provided, single submitter. Criteria: Myriad Autosomal Dominant, Autosomal Recessive and X-Linked Classification Criteria (2023). Collection method: clinical testing. Allele origin: unknown.
Comment: This variant is considered pathogenic. This variant creates a frameshift predicted to result in premature protein truncation.

NM_000038.6(APC):c.4568_4572del (p.Arg1523fs)

Gene: APC (APC regulator of Wnt signaling pathway; plus strand). Cytogenetic location: 5q22.2.
Variant type: Deletion.
Coding change: c.4568_4572del on transcript NM_000038.6 (MANE Select); coding-DNA positions 4568 to 4572, 5 bases deleted (GAATA; older notation c.4568_4572delGAATA).
Protein change: p.Arg1523fs; shifts the reading frame from arginine 1523.
Molecular consequence: frameshift variant. On other transcripts: non-coding transcript variant (2).
Genome position (GRCh38, 1-based): chr5:112,840,162-112,840,166, GAATA deleted; deleting any 5 consecutive bases within chr5:112,840,161-112,840,166 gives the same sequence; the c. name uses the placement nearest the transcript's 3' end. VCF-style (leftmost placement, unchanged base first): chr5-112840160-AAGAAT-A. GRCh37 (hg19) VCF-style: chr5-112175857-AAGAAT-A.
Other names: c.4568_4572del, p.Arg1523fs (NM_001127510.3, NM_001354895.2, NM_001407450.1); c.4514_4518del, p.Arg1505fs (NM_001127511.3); c.4622_4626del, p.Arg1541fs (NM_001354896.2, NM_001407447.1, NM_001407448.1 and 1 more transcripts); c.4598_4602del, p.Arg1533fs (NM_001354897.2); c.4493_4497del, p.Arg1498fs (NM_001354898.2); c.4484_4488del, p.Arg1495fs (NM_001354899.2); c.4445_4449del, p.Arg1482fs (NM_001354900.2); c.4391_4395del, p.Arg1464fs (NM_001354901.2, NM_001407453.1); and 11 more; short protein forms R1139fs, R1240fs, R1363fs, R1394fs, R1397fs, R1422fs, R1432fs, R1440fs.
Identifiers: ClinVar variation 2583903 (VCV002583903.2), dbSNP rs2533583241, ClinGen allele CA2582341319.
Genomic context (GRCh38, chr5:112,840,160, plus strand): 5'-TTCATCCAGCCTGAGTGCTCTGAGCCTCGATGAGCCATTTATACAGAAAGATGTGGAATT[AAGAAT>A]AATGCCTCCAGTTCAGGAAAATGACAATGGGAATGAAACAGAATCAGAGCAGCCTAAAGA-3'